The following is an entry in ClinVar:

NM_004588.5(SCN2B):c.103C>T (p.Pro35Ser)

Gene: SCN2B (sodium voltage-gated channel beta subunit 2; minus strand). Cytogenetic location: 11q23.3.
Variant type: single nucleotide variant.
Coding change: c.103C>T on transcript NM_004588.5 (MANE Select); coding-DNA position 103, C replaced by T.
Protein change: p.Pro35Ser; replaces proline 35 with serine.
Molecular consequence: missense variant.
Genome position (GRCh38, 1-based): chr11:118,168,719, G>A on the plus strand (C>T on the coding strand, the complement: SCN2B is on the minus strand). VCF-style: chr11-118168719-G-A. GRCh37 (hg19) VCF-style: chr11-118039434-G-A.
Other names: short protein forms P35S.
Identifiers: ClinVar variation 4160608 (VCV004160608.1).

ClinVar aggregate classification (germline): Uncertain significance (1 of 4 stars; one submission).

Conditions:
Cardiovascular phenotype. Identifiers: MedGen CN230736.

gnomAD v4.1: 16 of 1,614,112 alleles (0.00099%); highest among the groups gnomAD compares: Non-Finnish European, 0.0014%; no homozygotes.

Submission:

Ambry Genetics
Classification: Uncertain significance for Cardiovascular phenotype. Last evaluated: 2025-08-05. Review status: criteria provided, single submitter. Criteria: Ambry Variant Classification Scheme 2023. Collection method: clinical testing. Allele origin: germline.
Comment: The p.P35S variant (also known as c.103C>T), located in coding exon 2 of the SCN2B gene, results from a C to T substitution at nucleotide position 103. The proline at codon 35 is replaced by serine, an amino acid with similar properties. This amino acid position is highly conserved in available vertebrate species. In addition, the in silico prediction for this alteration is inconclusive. The evidence for this gene-disease relationship is limited; therefore, the clinical significance of this alteration is unclear.